The following is an entry in ClinVar:

NM_024675.4(PALB2):c.2528A>G (p.Glu843Gly)

Gene: PALB2 (partner and localizer of BRCA2; minus strand). Cytogenetic location: 16p12.2.
Variant type: single nucleotide variant.
Coding change: c.2528A>G on transcript NM_024675.4 (MANE Select); coding-DNA position 2528, A replaced by G.
Protein change: p.Glu843Gly; replaces glutamic acid 843 with glycine.
Molecular consequence: missense variant.
Genome position (GRCh38, 1-based): chr16:23,629,262, T>C on the plus strand (A>G on the coding strand, the complement: PALB2 is on the minus strand). VCF-style: chr16-23629262-T-C. GRCh37 (hg19) VCF-style: chr16-23640583-T-C.
Other names: c.2468A>G, p.Glu823Gly (NM_001407296.1); c.2528A>G, p.Glu843Gly (NM_001407298.1, NM_001407299.1, NM_001407300.1 and 2 more transcripts); c.1643A>G, p.Glu548Gly (NM_001407304.1, NM_001407305.1, NM_001407306.1 and 5 more transcripts); c.740A>G, p.Glu247Gly (NM_001407312.1, NM_001407313.1); c.62A>G, p.Glu21Gly (NM_001407314.1); short protein forms E843G, E823G, E21G, E247G, E548G.
Identifiers: ClinVar variation 2075909 (VCV002075909.6), dbSNP rs1966854027, ClinGen allele CA395123840.

ClinVar aggregate classification (germline): Uncertain significance. Review status: criteria provided, multiple submitters, no conflicts (2 of 4 stars). 2 submissions from 2 submitters: Uncertain significance (2). Last evaluated 2023-01-07.

Conditions:
Hereditary cancer-predisposing syndrome. Also called: Hereditary Cancer Syndrome; Tumor predisposition; Hereditary neoplastic syndrome; Neoplastic Syndromes, Hereditary. Identifiers: Orphanet 140162, MedGen C0027672, MeSH D009386, MONDO:0015356.
Familial cancer of breast. Also called: BREAST CANCER, FAMILIAL; Hereditary breast cancer; hereditary breast carcinoma. Identifiers: Orphanet 227535, MedGen C0346153, MONDO:0016419, OMIM 114480. Disease mechanism: loss of function.

gnomAD v4.1: 1 of 1,613,592 alleles (0.000062%); no homozygotes.

Submissions (2):

Ambry Genetics
Classification: Uncertain significance for Hereditary cancer-predisposing syndrome. Last evaluated: 2023-01-07. Review status: criteria provided, single submitter. Criteria: Ambry Variant Classification Scheme 2023. Collection method: clinical testing. Allele origin: germline.
Comment: The p.E843G variant (also known as c.2528A>G), located in coding exon 6 of the PALB2 gene, results from an A to G substitution at nucleotide position 2528. The glutamic acid at codon 843 is replaced by glycine, an amino acid with similar properties. This amino acid position is conserved. In addition, this alteration is predicted to be tolerated by in silico analysis. Since supporting evidence is limited at this time, the clinical significance of this alteration remains unclear.

Labcorp Genetics (formerly Invitae), Labcorp
Classification: Uncertain significance for Familial cancer of breast. Last evaluated: 2022-06-07. Review status: criteria provided, single submitter. Criteria: Invitae Variant Classification Sherloc (09022015). Collection method: clinical testing. Allele origin: germline.
Comment: In summary, the available evidence is currently insufficient to determine the role of this variant in disease. Therefore, it has been classified as a Variant of Uncertain Significance. Algorithms developed to predict the effect of missense changes on protein structure and function output the following: SIFT: "Tolerated"; PolyPhen-2: "Benign"; Align-GVGD: "Class C0". The glycine amino acid residue is found in multiple mammalian species, which suggests that this missense change does not adversely affect protein function. This variant has not been reported in the literature in individuals affected with PALB2-related conditions. This variant is not present in population databases (gnomAD no frequency). This sequence change replaces glutamic acid, which is acidic and polar, with glycine, which is neutral and non-polar, at codon 843 of the PALB2 protein (p.Glu843Gly).